The following is an entry in ClinVar:

NM_000051.4(ATM):c.9012del (p.Lys3004_Val3005insTer)

Genes: ATM (ATM serine/threonine kinase; plus strand), C11orf65 (chromosome 11 open reading frame 65; minus strand). Cytogenetic location: 11q22.3.
Variant type: Deletion.
Coding change: c.9012del on transcript NM_000051.4 (MANE Select); coding-DNA position 9012, one base deleted (A; older notation c.9012delA).
Protein change: p.Lys3004_Val3005insTer.
Molecular consequence: frameshift variant. On other transcripts: intron variant (2).
Genome position (GRCh38, 1-based): chr11:108,365,349, A deleted; the last of 3 consecutive A bases (chr11:108,365,347-108,365,349); deleting any one gives the same sequence. VCF-style (leftmost placement, unchanged base first): chr11-108365346-CA-C. GRCh37 (hg19) VCF-style: chr11-108236073-CA-C.
Other names: c.9012del, p.Lys3004_Val3005insTer (NM_001351834.2); c.640+20573del (NM_001330368.2); c.694+20573del (NM_001351110.2).
Identifiers: ClinVar variation 2732190 (VCV002732190.3), dbSNP rs2547682660, ClinGen allele CA2697558936.

ClinVar aggregate classification (germline): Pathogenic (1 of 4 stars; one submission).

Conditions:
Ataxia-telangiectasia syndrome (AT). Also called: LOUIS-BAR SYNDROME; Cerebello-oculocutaneous telangiectasia; Immunodeficiency with ataxia telangiectasia; Ataxia telangiectasia (A-T); Ataxia-telangiectasia, complementation group D; AT, COMPLEMENTATION GROUP C. Identifiers: Orphanet 100, MedGen C0004135, MONDO:0008840, OMIM 208900.

Submission:

Labcorp Genetics (formerly Invitae), Labcorp
Classification: Pathogenic for Ataxia-telangiectasia syndrome. Last evaluated: 2023-06-28. Review status: criteria provided, single submitter. Criteria: Invitae Variant Classification Sherloc (09022015). Collection method: clinical testing. Allele origin: germline.
Comment: For these reasons, this variant has been classified as Pathogenic. This variant disrupts a region of the ATM protein in which other variant(s) (p.Arg3047*) have been determined to be pathogenic (PMID: 8755918, 10980530, 18560558, 19431188, 19691550, 26628246; Invitae). This suggests that this is a clinically significant region of the protein, and that variants that disrupt it are likely to be disease-causing. This variant has not been reported in the literature in individuals affected with ATM-related conditions. This variant is not present in population databases (gnomAD no frequency). This sequence change creates a premature translational stop signal (p.Val3005*) in the ATM gene. While this is not anticipated to result in nonsense mediated decay, it is expected to disrupt the last 52 amino acid(s) of the ATM protein.

Literature cited by the submitters: PubMed 8755918; PubMed 10980530; PubMed 18560558; PubMed 19431188; PubMed 19691550; PubMed 26628246.